The following is an entry in ClinVar:

ClinVar aggregate classification (germline): Uncertain significance. Review status: criteria provided, multiple submitters, no conflicts (2 of 4 stars). 2 submissions from 2 submitters: Uncertain significance (2). Last evaluated 2025-09-17.

Conditions:
Inborn genetic diseases. Identifiers: MedGen C0950123, MeSH D030342.
Baller-Gerold syndrome (BGS). Also called: CRANIOSYNOSTOSIS WITH RADIAL DEFECTS. Identifiers: Orphanet 1225, MedGen C0265308, MONDO:0009039, OMIM 218600.

Allele frequency attached by ClinVar (database versions not stated): gnomAD exomes below 0.00001.
gnomAD v4.1: 2 of 1,609,748 alleles (0.00012%); highest among the groups gnomAD compares: Non-Finnish European, 0.00017%; no homozygotes.

Submissions (2):

Ambry Genetics
Classification: Uncertain significance for Inborn genetic diseases. Last evaluated: 2025-09-17. Review status: criteria provided, single submitter. Criteria: Ambry Variant Classification Scheme 2023. Collection method: clinical testing. Allele origin: germline.
Comment: The p.C749R variant (also known as c.2245T>C), located in coding exon 14 of the RECQL4 gene, results from a T to C substitution at nucleotide position 2245. The cysteine at codon 749 is replaced by arginine, an amino acid with highly dissimilar properties. This amino acid position is conserved. In addition, this alteration is predicted to be tolerated by in silico analysis. Based on the available evidence, the clinical significance of this variant remains unclear.

Labcorp Genetics (formerly Invitae), Labcorp
Classification: Uncertain significance for Baller-Gerold syndrome. Last evaluated: 2024-07-08. Review status: criteria provided, single submitter. Criteria: Invitae Variant Classification Sherloc (09022015). Collection method: clinical testing. Allele origin: germline.
Comment: This sequence change replaces cysteine, which is neutral and slightly polar, with arginine, which is basic and polar, at codon 749 of the RECQL4 protein (p.Cys749Arg). This variant is not present in population databases (gnomAD no frequency). This variant has not been reported in the literature in individuals affected with RECQL4-related conditions. ClinVar contains an entry for this variant (Variation ID: 1035976). Advanced modeling of protein sequence and biophysical properties (such as structural, functional, and spatial information, amino acid conservation, physicochemical variation, residue mobility, and thermodynamic stability) performed at Invitae indicates that this missense variant is not expected to disrupt RECQL4 protein function with a negative predictive value of 80%. In summary, the available evidence is currently insufficient to determine the role of this variant in disease. Therefore, it has been classified as a Variant of Uncertain Significance.

NM_004260.4(RECQL4):c.2245T>C (p.Cys749Arg)

Gene: RECQL4 (RecQ like helicase 4; minus strand). Cytogenetic location: 8q24.3.
Variant type: single nucleotide variant.
Coding change: c.2245T>C on transcript NM_004260.4 (MANE Select); coding-DNA position 2245, T replaced by C.
Protein change: p.Cys749Arg; replaces cysteine 749 with arginine.
Molecular consequence: missense variant.
Genome position (GRCh38, 1-based): chr8:144,513,436, A>G on the plus strand (T>C on the coding strand, the complement: RECQL4 is on the minus strand). VCF-style: chr8-144513436-A-G. GRCh37 (hg19) VCF-style: chr8-145738820-A-G.
Other names: c.2245T>C (NM_004260.3); short protein forms C749R.
Identifiers: ClinVar variation 1035976 (VCV001035976.6), dbSNP rs1564795333, ClinGen allele CA372678492.